The following is an entry in ClinVar:

ClinVar aggregate classification (germline): Pathogenic (1 of 4 stars; one submission).

Conditions:
Duchenne muscular dystrophy (DMD). Also called: MUSCULAR DYSTROPHY, PSEUDOHYPERTROPHIC PROGRESSIVE, DUCHENNE TYPE; Duchenne Muscular Dystrophy (DMD). Identifiers: Orphanet 98896, MedGen C0013264, MONDO:0010679, OMIM 310200.

Submission:

Labcorp Genetics (formerly Invitae), Labcorp
Classification: Pathogenic for Duchenne muscular dystrophy. Last evaluated: 2018-03-29. Review status: criteria provided, single submitter. Criteria: Invitae Variant Classification Sherloc (09022015). Collection method: clinical testing. Allele origin: germline.
Comment: This variant is an in-frame deletion of the genomic region encompassing exons 45-55 of the DMD gene. It preserves the integrity of the reading frame. This variant has been reported in several individuals affected with Duchenne or Becker muscular dystrophy (PMID: 22090376, 11257468, 26911353, 18752307, 20683981,Â¬â€ 16030524) and in individuals affected with dilated cardiomyopathy (PMID: 18261911). For these reasons, this variant has been classified as Pathogenic.

Literature cited by the submitters: PubMed 22090376; PubMed 11257468; PubMed 26911353; PubMed 18752307; PubMed 20683981; PubMed 18261911.

NC_000023.11:g.(?_31609584)_(31968514_?)del

Genes: DMD (dystrophin; minus strand), LOC129391296 (MPRA-validated peak7373 silencer; plus strand). Cytogenetic location: Xp21.1.
Variant type: Deletion.
Identifiers: ClinVar variation 583834 (VCV000583834.1).